The following is an entry in ClinVar:

NM_145698.5(ACBD5):c.1334T>C (p.Met445Thr)

Gene: ACBD5 (acyl-CoA binding domain containing 5; minus strand). Cytogenetic location: 10p12.1.
Variant type: single nucleotide variant.
Coding change: c.1334T>C on transcript NM_145698.5 (MANE Select); coding-DNA position 1334, T replaced by C.
Protein change: p.Met445Thr; replaces methionine 445 with threonine.
Molecular consequence: missense variant.
Genome position (GRCh38, 1-based): chr10:27,208,316, A>G on the plus strand (T>C on the coding strand, the complement: ACBD5 is on the minus strand). VCF-style: chr10-27208316-A-G. GRCh37 (hg19) VCF-style: chr10-27497245-A-G.
Other names: c.1229T>C, p.Met410Thr (NM_001042473.4, NM_001352577.2, NM_001352578.2 and 1 more transcripts); c.1328T>C, p.Met443Thr (NM_001271512.3); c.1007T>C, p.Met336Thr (NM_001301251.2, NM_001301252.2, NM_001301253.2 and 2 more transcripts); c.803T>C, p.Met268Thr (NM_001301254.2); c.1388T>C, p.Met463Thr (NM_001352568.1); c.1367T>C, p.Met456Thr (NM_001352569.1); c.1334T>C, p.Met445Thr (NM_001352570.1); c.1361T>C, p.Met454Thr (NM_001352571.1); and 10 more; short protein forms M268T, M336T, M342T, M347T, M375T, M377T, M386T, M388T.
Identifiers: ClinVar variation 1714269 (VCV001714269.5), dbSNP rs1468532582, ClinGen allele CA376373223.
Genomic context (GRCh38, chr10:27,208,316, plus strand): 5'-GTCAGCGTTTCCAGTTTCTGCAGTCTCTGAAGGACATTCTGCATGTCCTCCTGCAGTCTC[A>G]TCAGCACGAGGGCGATCTGCTCATTGAGGCTGCCTCGGGACCCTCTGTCGGAGCCCCAGC-3'
Protein context (NP_663736.2, residues 435-455): SLNEQIALVL[Met445Thr]RLQEDMQNVL

ClinVar aggregate classification (germline): Uncertain significance (1 of 4 stars; one submission).

Submission:

Labcorp Genetics (formerly Invitae), Labcorp
Classification: Uncertain significance. Last evaluated: 2023-10-03. Review status: criteria provided, single submitter. Criteria: Invitae Variant Classification Sherloc (09022015). Collection method: clinical testing. Allele origin: germline.
Comment: This sequence change replaces methionine, which is neutral and non-polar, with threonine, which is neutral and polar, at codon 445 of the ACBD5 protein (p.Met445Thr). This variant is not present in population databases (gnomAD no frequency). This variant has not been reported in the literature in individuals affected with ACBD5-related conditions. ClinVar contains an entry for this variant (Variation ID: 1714269). Advanced modeling of protein sequence and biophysical properties (such as structural, functional, and spatial information, amino acid conservation, physicochemical variation, residue mobility, and thermodynamic stability) performed at Invitae indicates that this missense variant is not expected to disrupt ACBD5 protein function. In summary, the available evidence is currently insufficient to determine the role of this variant in disease. Therefore, it has been classified as a Variant of Uncertain Significance.